The following is an entry in ClinVar:

ClinVar aggregate classification (germline): Uncertain significance. Review status: criteria provided, multiple submitters, no conflicts (2 of 4 stars). 2 submissions from 2 submitters: Uncertain significance (2). Last evaluated 2024-05-06.

Conditions:
Baller-Gerold syndrome (BGS). Also called: CRANIOSYNOSTOSIS WITH RADIAL DEFECTS. Identifiers: Orphanet 1225, MedGen C0265308, MONDO:0009039, OMIM 218600.

gnomAD v4.1: 75 of 1,612,508 alleles (0.0047%); highest among the groups gnomAD compares: Non-Finnish European, 0.0063%; no homozygotes.

Submissions (2):

Labcorp Genetics (formerly Invitae), Labcorp
Classification: Uncertain significance for Baller-Gerold syndrome. Last evaluated: 2024-05-06. Review status: criteria provided, single submitter. Criteria: Invitae Variant Classification Sherloc (09022015). Collection method: clinical testing. Allele origin: germline.
Comment: This sequence change replaces leucine, which is neutral and non-polar, with arginine, which is basic and polar, at codon 959 of the RECQL4 protein (p.Leu959Arg). This variant is not present in population databases (gnomAD no frequency). This variant has not been reported in the literature in individuals affected with RECQL4-related conditions. ClinVar contains an entry for this variant (Variation ID: 459439). Advanced modeling of protein sequence and biophysical properties (such as structural, functional, and spatial information, amino acid conservation, physicochemical variation, residue mobility, and thermodynamic stability) performed at Invitae indicates that this missense variant is expected to disrupt RECQL4 protein function with a positive predictive value of 80%. In summary, the available evidence is currently insufficient to determine the role of this variant in disease. Therefore, it has been classified as a Variant of Uncertain Significance.

Blueprint Genetics
Classification: Uncertain significance. Last evaluated: 2020-12-01. Review status: criteria provided, single submitter. Criteria: ACMG Guidelines, 2015. Collection method: clinical testing. Allele origin: germline.

NM_004260.4(RECQL4):c.2876T>G (p.Leu959Arg)

Gene: RECQL4 (RecQ like helicase 4; minus strand). Cytogenetic location: 8q24.3.
Variant type: single nucleotide variant.
Coding change: c.2876T>G on transcript NM_004260.4 (MANE Select); coding-DNA position 2876, T replaced by G.
Protein change: p.Leu959Arg; replaces leucine 959 with arginine.
Molecular consequence: missense variant.
Genome position (GRCh38, 1-based): chr8:144,512,651, A>C on the plus strand (T>G on the coding strand, the complement: RECQL4 is on the minus strand). VCF-style: chr8-144512651-A-C. GRCh37 (hg19) VCF-style: chr8-145738034-A-C.
Other names: short protein forms L959R.
Identifiers: ClinVar variation 459439 (VCV000459439.6), dbSNP rs1554897159, ClinGen allele CA372673840.